The following is an entry in ClinVar:

NM_001298.3(CNGA3):c.1642G>T (p.Gly548Trp)

Gene: CNGA3 (cyclic nucleotide gated channel subunit alpha 3; plus strand). Cytogenetic location: 2q11.2.
Variant type: single nucleotide variant.
Coding change: c.1642G>T on transcript NM_001298.3 (MANE Select); coding-DNA position 1642, G replaced by T.
Protein change: p.Gly548Trp; replaces glycine 548 with tryptophan.
Molecular consequence: missense variant.
Genome position (GRCh38, 1-based): chr2:98,396,812, G>T. VCF-style: chr2-98396812-G-T. GRCh37 (hg19) VCF-style: chr2-99013275-G-T.
Other names: c.1588G>T, p.Gly530Trp (NM_001079878.2); short protein forms G530W, G548W.
Identifiers: ClinVar variation 1486619 (VCV001486619.6), dbSNP rs781227859, ClinGen allele CA347833981.

ClinVar aggregate classification (germline): Likely pathogenic (1 of 4 stars; one submission).

gnomAD v4.1: 1 of 1,614,166 alleles (0.000062%); highest among the groups gnomAD compares: Non-Finnish European, 0.000085%; no homozygotes.

Submission:

Labcorp Genetics (formerly Invitae), Labcorp
Classification: Likely pathogenic. Last evaluated: 2024-02-05. Review status: criteria provided, single submitter. Criteria: Invitae Variant Classification Sherloc (09022015). Collection method: clinical testing. Allele origin: germline.
Comment: This sequence change replaces glycine, which is neutral and non-polar, with tryptophan, which is neutral and slightly polar, at codon 548 of the CNGA3 protein (p.Gly548Trp). This variant is not present in population databases (gnomAD no frequency). This variant has not been reported in the literature in individuals affected with CNGA3-related conditions. ClinVar contains an entry for this variant (Variation ID: 1486619). Advanced modeling of protein sequence and biophysical properties (such as structural, functional, and spatial information, amino acid conservation, physicochemical variation, residue mobility, and thermodynamic stability) performed at Invitae indicates that this missense variant is expected to disrupt CNGA3 protein function with a positive predictive value of 95%. This variant disrupts the p.Gly548 amino acid residue in CNGA3. Other variant(s) that disrupt this residue have been determined to be pathogenic (Invitae). This suggests that this residue is clinically significant, and that variants that disrupt this residue are likely to be disease-causing. In summary, the currently available evidence indicates that the variant is pathogenic, but additional data are needed to prove that conclusively. Therefore, this variant has been classified as Likely Pathogenic.